The following is an entry in ClinVar:

ClinVar aggregate classification (germline): Uncertain significance (1 of 4 stars; one submission).

Conditions:
Hypercholesterolemia, autosomal dominant, 3 (FHCL3). Also called: Familial Hypercholesterolemia, Autosomal Dominant, 3; PCSK9-Related Familial Hypercholesterolemia, Autosomal Dominant; Familial hypercholesterolemia 3. Identifiers: MedGen C1863551, MONDO:0011369, OMIM 603776.

gnomAD v4.1: 1 of 1,551,106 alleles (0.000064%); no homozygotes.

Submission:

Labcorp Genetics (formerly Invitae), Labcorp
Classification: Uncertain significance for Hypercholesterolemia, autosomal dominant, 3. Last evaluated: 2025-07-13. Review status: criteria provided, single submitter. Criteria: Invitae Variant Classification Sherloc (09022015). Collection method: clinical testing. Allele origin: germline.
Comment: This sequence change replaces glutamine, which is neutral and polar, with glutamic acid, which is acidic and polar, at codon 555 of the PCSK9 protein (p.Gln555Glu). This variant is not present in population databases (gnomAD no frequency). This variant has not been reported in the literature in individuals affected with PCSK9-related conditions. Invitae Evidence Modeling of protein sequence and biophysical properties (such as structural, functional, and spatial information, amino acid conservation, physicochemical variation, residue mobility, and thermodynamic stability) indicates that this missense variant is not expected to disrupt PCSK9 protein function with a negative predictive value of 80%. In summary, the available evidence is currently insufficient to determine the role of this variant in disease. Therefore, it has been classified as a Variant of Uncertain Significance.

NM_174936.4(PCSK9):c.1663C>G (p.Gln555Glu)

Gene: PCSK9 (proprotein convertase subtilisin/kexin type 9; plus strand). Cytogenetic location: 1p32.3.
Variant type: single nucleotide variant.
Coding change: c.1663C>G on transcript NM_174936.4 (MANE Select); coding-DNA position 1663, C replaced by G.
Protein change: p.Gln555Glu; replaces glutamine 555 with glutamic acid.
Molecular consequence: missense variant. On other transcripts: non-coding transcript variant (7), intron variant (1).
Genome position (GRCh38, 1-based): chr1:55,059,645, C>G. VCF-style: chr1-55059645-C-G. GRCh37 (hg19) VCF-style: chr1-55525318-C-G.
Other names: c.1786C>G, p.Gln596Glu (NM_001407240.1); c.1705C>G, p.Gln569Glu (NM_001407241.1); c.1666C>G, p.Gln556Glu (NM_001407242.1); c.1606C>G, p.Gln536Glu (NM_001407243.1); c.1489C>G, p.Gln497Glu (NM_001407244.1); c.1471C>G, p.Gln491Glu (NM_001407245.1); c.1288C>G, p.Gln430Glu (NM_001407246.1); c.1181-1730C>G (NM_001407247.1); short protein forms Q497E, Q536E, Q555E, Q430E, Q596E, Q491E, Q556E, Q569E.
Identifiers: ClinVar variation 4745930 (VCV004745930.1).
Genomic context (GRCh38, chr1:55,059,645, plus strand): 5'-AGCGTCCACACAGCTCCACCAGCTGAGGCCAGCATGGGGACCCGTGTCCACTGCCACCAA[C>G]AGGGCCACGTCCTCACAGGTAGGAGGCTGGGCTTGCCCTGGGGTGAGGAGGGGTCTCTTT-3'
Protein context (NP_777596.2, residues 545-565): SMGTRVHCHQ[Gln555Glu]GHVLTGCSSH